The following is an entry in ClinVar:

NM_004612.4(TGFBR1):c.787A>G (p.Ile263Val)

Gene: TGFBR1 (transforming growth factor beta receptor 1; plus strand). Cytogenetic location: 9q22.33.
Variant type: single nucleotide variant.
Coding change: c.787A>G on transcript NM_004612.4 (MANE Select); coding-DNA position 787, A replaced by G.
Protein change: p.Ile263Val; replaces isoleucine 263 with valine.
Molecular consequence: missense variant.
Genome position (GRCh38, 1-based): chr9:99,138,071, A>G. VCF-style: chr9-99138071-A-G. GRCh37 (hg19) VCF-style: chr9-101900353-A-G.
Other names: c.556A>G, p.Ile186Val (NM_001130916.3); c.799A>G, p.Ile267Val (NM_001306210.2); short protein forms I263V, I186V, I267V.
Identifiers: ClinVar variation 846785 (VCV000846785.9), dbSNP rs1827496536, ClinGen allele CA374230310.
Genomic context (GRCh38, chr9:99,138,071, plus strand): 5'-TTCCGTGAGGCAGAGATTTATCAAACTGTAATGTTACGTCATGAAAACATCCTGGGATTT[A>G]TAGCAGCAGACAATAAAGGTCTGTAACATTTGCTTTTCCTTATGTTATATATAACAAGAT-3'
Protein context (NP_004603.1, residues 253-273): MLRHENILGF[Ile263Val]AADNKDNGTW

ClinVar aggregate classification (germline): Uncertain significance. Review status: criteria provided, multiple submitters, no conflicts (2 of 4 stars). 2 submissions from 2 submitters: Uncertain significance (2). Last evaluated 2025-06-23.

Conditions:
Familial thoracic aortic aneurysm and aortic dissection (TAAD). Also called: Thoracic aortic aneurysms and dissections. Identifiers: Orphanet 91387, MedGen C4707243, MONDO:0019625.

Submissions (2):

Color Diagnostics, LLC DBA Color Health
Classification: Uncertain significance for Familial thoracic aortic aneurysm and aortic dissection. Last evaluated: 2025-06-23. Review status: criteria provided, single submitter. Criteria: ACMG Guidelines, 2015. Collection method: clinical testing. Allele origin: germline.
Comment: This missense variant replaces isoleucine with valine at codon 263 of the TGFBR1 protein. Computational prediction is inconclusive regarding the impact of this variant on protein structure and function. To our knowledge, functional studies have not been reported for this variant. This variant has not been reported in individuals affected with TGFBR1-related disorders in the literature. This variant has not been identified in the general population by the Genome Aggregation Database (gnomAD). The available evidence is insufficient to determine the role of this variant in disease conclusively. Therefore, this variant is classified as a Variant of Uncertain Significance.

Labcorp Genetics (formerly Invitae), Labcorp
Classification: Uncertain significance for Familial thoracic aortic aneurysm and aortic dissection. Last evaluated: 2019-04-09. Review status: criteria provided, single submitter. Criteria: Invitae Variant Classification Sherloc (09022015). Collection method: clinical testing. Allele origin: germline.
Comment: In summary, the available evidence is currently insufficient to determine the role of this variant in disease. Therefore, it has been classified as a Variant of Uncertain Significance. Algorithms developed to predict the effect of missense changes on protein structure and function (SIFT, PolyPhen-2, Align-GVGD) all suggest that this variant is likely to be disruptive, but these predictions have not been confirmed by published functional studies and their clinical significance is uncertain. This sequence change replaces isoleucine with valine at codon 263 of the TGFBR1 protein (p.Ile263Val). The isoleucine residue is highly conserved and there is a small physicochemical difference between isoleucine and valine. This variant is not present in population databases (ExAC no frequency). This variant has not been reported in the literature in individuals with TGFBR1-related conditions.